The following is an entry in ClinVar:

ClinVar aggregate classification (germline): Uncertain significance (1 of 4 stars; one submission).

gnomAD v4.1: 7 of 1,613,790 alleles (0.00043%); highest among the groups gnomAD compares: East Asian, 0.016%; no homozygotes.

Submission:

Women's Health and Genetics/Laboratory Corporation of America, LabCorp
Classification: Uncertain significance. Last evaluated: 2024-12-11. Review status: criteria provided, single submitter. Criteria: LabCorp Variant Classification Summary - May 2015. Collection method: clinical testing. Allele origin: germline.
Comment: Variant summary: TTN c.91954T>C (p.Tyr30652His) results in a conservative amino acid change located in the A-band of the encoded protein sequence. Two of four in-silico tools predict a benign effect of the variant on protein function. The variant was absent in 248832 control chromosomes. The available data on variant occurrences in the general population are insufficient to allow any conclusion about variant significance. To our knowledge, no occurrence of c.91954T>C in individuals affected with Autosomal Recessive Titinopathy and no experimental evidence demonstrating its impact on protein function have been reported. No submitters have cited clinical-significance assessments for this variant to ClinVar. Based on the evidence outlined above, the variant was classified as uncertain significance.

NM_001267550.2(TTN):c.99658T>C (p.Tyr33220His)

Genes: TTN (titin; minus strand), TTN-AS1 (TTN antisense RNA 1; plus strand), LOC126806420 (BRD4-independent group 4 enhancer GRCh37_chr2:179401104-179402303; plus strand). Cytogenetic location: 2q31.2.
Variant type: single nucleotide variant.
Coding change: c.99658T>C on transcript NM_001267550.2 (MANE Select); coding-DNA position 99658, T replaced by C.
Protein change: p.Tyr33220His; replaces tyrosine 33220 with histidine.
Molecular consequence: missense variant. On other transcripts: non-coding transcript variant (1).
Genome position (GRCh38, 1-based): chr2:178,537,549, A>G on the plus strand (T>C on the coding strand, the complement: TTN is on the minus strand). VCF-style: chr2-178537549-A-G. GRCh37 (hg19) VCF-style: chr2-179402276-A-G.
Other names: c.94735T>C, p.Tyr31579His (NM_001256850.1); c.72463T>C, p.Tyr24155His (NM_003319.4); c.91954T>C, p.Tyr30652His (NM_133378.4); c.72838T>C, p.Tyr24280His (NM_133432.3); c.73039T>C, p.Tyr24347His (NM_133437.4); short protein forms Y24155H, Y24280H, Y24347H, Y30652H, Y31579H, Y33220H.
Identifiers: ClinVar variation 3768107 (VCV003768107.1).